The following is an entry in ClinVar:

ClinVar aggregate classification (germline): Uncertain significance. Review status: criteria provided, multiple submitters, no conflicts (2 of 4 stars). 3 submissions from 3 submitters: Uncertain significance (3). Last evaluated 2025-10-09.

Conditions:
Colorectal cancer, hereditary nonpolyposis, type 7. Identifiers: Orphanet 144, MedGen C1858380, MONDO:0013725, OMIM 614385.

Allele frequency attached by ClinVar (database versions not stated): gnomAD exomes below 0.00001 and 0.00005; gnomAD 0.00001 and 0.00002; TOPMed 0.00001; ExAC 0.00002; 1000 Genomes Project 30x 0.00016; 1000 Genomes Project 0.00020.
gnomAD v4.1: 72 of 1,614,080 alleles (0.0045%); highest among the groups gnomAD compares: East Asian, 0.011%; no homozygotes.

Submissions (3):

Ambry Genetics
Classification: Uncertain significance. Last evaluated: 2025-10-09. Review status: criteria provided, single submitter. Criteria: Ambry Variant Classification Scheme 2023. Collection method: clinical testing. Allele origin: germline.
Comment: The p.I100T variant (also known as c.299T>C), located in coding exon 1 of the MLH3 gene, results from a T to C substitution at nucleotide position 299. The isoleucine at codon 100 is replaced by threonine, an amino acid with similar properties. This amino acid position is well conserved in available vertebrate species. In addition, this alteration is predicted to be deleterious by in silico analysis. Since supporting evidence is limited at this time, the clinical significance of this alteration remains unclear.

Labcorp Genetics (formerly Invitae), Labcorp
Classification: Uncertain significance for Colorectal cancer, hereditary nonpolyposis, type 7. Last evaluated: 2025-02-27. Review status: criteria provided, single submitter. Criteria: Invitae Variant Classification Sherloc (09022015). Collection method: clinical testing. Allele origin: germline.
Comment: This sequence change replaces isoleucine, which is neutral and non-polar, with threonine, which is neutral and polar, at codon 100 of the MLH3 protein (p.Ile100Thr). This variant is present in population databases (rs201611423, gnomAD 0.0009%). This variant has not been reported in the literature in individuals affected with MLH3-related conditions. ClinVar contains an entry for this variant (Variation ID: 949582). An algorithm developed to predict the effect of missense changes on protein structure and function (PolyPhen-2) suggests that this variant is likely to be disruptive. In summary, the available evidence is currently insufficient to determine the role of this variant in disease. Therefore, it has been classified as a Variant of Uncertain Significance.

Blueprint Genetics
Classification: Uncertain significance. Last evaluated: 2020-04-16. Review status: criteria provided, single submitter. Criteria: ACMG Guidelines, 2015. Collection method: clinical testing. Allele origin: germline.

NM_001040108.2(MLH3):c.299T>C (p.Ile100Thr)

Gene: MLH3 (mutL homolog 3; minus strand). Cytogenetic location: 14q24.3.
Variant type: single nucleotide variant.
Coding change: c.299T>C on transcript NM_001040108.2 (MANE Select); coding-DNA position 299, T replaced by C.
Protein change: p.Ile100Thr; replaces isoleucine 100 with threonine.
Molecular consequence: missense variant.
Genome position (GRCh38, 1-based): chr14:75,049,357, A>G on the plus strand (T>C on the coding strand, the complement: MLH3 is on the minus strand). VCF-style: chr14-75049357-A-G. GRCh37 (hg19) VCF-style: chr14-75516060-A-G.
Other names: c.299T>C, p.Ile100Thr (NM_014381.3); short protein forms I100T.
Identifiers: ClinVar variation 949582 (VCV000949582.15), dbSNP rs201611423, ClinGen allele CA7276058.